The following is an entry in ClinVar:

ClinVar aggregate classification (germline): Likely pathogenic. Review status: criteria provided, single submitter (1 of 4 stars). 2 submissions from 2 submitters: Likely pathogenic (1). 1 of the submissions does not count toward it. Last evaluated 2023-12-10.

Conditions:
Pituitary hormone deficiency, combined, 1 (CPHD1). Also called: Pituitary hormone deficiency, combined or isolated, 1. Identifiers: MedGen C2751608, MONDO:0024464, OMIM 613038.

Submissions (2):

GeneDx
Classification: Likely pathogenic. Last evaluated: 2023-12-10. Review status: criteria provided, single submitter. Criteria: GeneDx Variant Classification Process June 2021. Collection method: clinical testing. Allele origin: germline. Affected: yes.
Comment: Published functional studies demonstrate a reduced ability to activate target genes (PMID: 12200420); Not observed at significant frequency in large population cohorts (gnomAD); In silico analysis supports that this missense variant has a deleterious effect on protein structure/function; This variant is associated with the following publications: (PMID: 12904605, 26612202, 16968807, 1472057, 16131601, 19609847, 12200420)

OMIM
Classification: Pathogenic for PITUITARY HORMONE DEFICIENCY, COMBINED, 1. Last evaluated: 1992-12-15. Review status: no assertion criteria provided. Collection method: literature only. Allele origin: germline. Not counted in ClinVar's aggregate classification.

Literature cited by the submitters: PubMed 1472057 (cited by OMIM).

NM_000306.4(POU1F1):c.71C>T (p.Pro24Leu)

Gene: POU1F1 (POU class 1 homeobox 1; minus strand). Cytogenetic location: 3p11.2.
Variant type: single nucleotide variant.
Coding change: c.71C>T on transcript NM_000306.4 (MANE Select); coding-DNA position 71, C replaced by T.
Protein change: p.Pro24Leu; replaces proline 24 with leucine.
Molecular consequence: missense variant.
Genome position (GRCh38, 1-based): chr3:87,276,392, G>A on the plus strand (C>T on the coding strand, the complement: POU1F1 is on the minus strand). VCF-style: chr3-87276392-G-A. GRCh37 (hg19) VCF-style: chr3-87325542-G-A.
Other names: c.71C>T, p.Pro24Leu (NM_001122757.3); c.71C>T (NM_000306.2); short protein forms P24L.
Identifiers: ClinVar variation 13605 (VCV000013605.2), dbSNP rs104893757, ClinGen allele CA250607.